The following is an entry in ClinVar:

NM_017617.5(NOTCH1):c.6091G>A (p.Ala2031Thr)

Genes: NOTCH1 (notch receptor 1; minus strand), LOC126860794 (BRD4-independent group 4 enhancer GRCh37_chr9:139392592-139393791; plus strand). Cytogenetic location: 9q34.3.
Variant type: single nucleotide variant.
Coding change: c.6091G>A on transcript NM_017617.5 (MANE Select); coding-DNA position 6091, G replaced by A.
Protein change: p.Ala2031Thr; replaces alanine 2031 with threonine.
Molecular consequence: missense variant.
Genome position (GRCh38, 1-based): chr9:136,498,988, C>T on the plus strand (G>A on the coding strand, the complement: NOTCH1 is on the minus strand). VCF-style: chr9-136498988-C-T. GRCh37 (hg19) VCF-style: chr9-139393440-C-T.
Other names: c.6091G>A (NM_017617.3); short protein forms A2031T.
Identifiers: ClinVar variation 1037644 (VCV001037644.12), dbSNP rs932710972, ClinGen allele CA201637638.
Genomic context (GRCh38, chr9:136,498,988, plus strand): 5'-CGTTCTTCAGGAGCACAACTGCGGCATCCACATTGTTCACGGCGGCGGCCCAGTGCAGGG[C>T]GGACTTGCCTGCGTGAAAGAAGCAGATGGGGTAGGTTGGAGACCAGCTGGAGGCAACCCA-3'
Protein context (NP_060087.3, residues 2021-2041): VNAVDDLGKS[Ala2031Thr]LHWAAAVNNV

ClinVar aggregate classification (germline): Conflicting classifications of pathogenicity. Review status: criteria provided, conflicting classifications (1 of 4 stars). 3 submissions from 3 submitters: Uncertain significance (2); Likely benign (1). Last evaluated 2024-03-25.

Conditions:
Adams-Oliver syndrome 5 (AOS5). Identifiers: Orphanet 974, MedGen C4014970, MONDO:0014459, OMIM 616028.
Familial thoracic aortic aneurysm and aortic dissection (TAAD). Also called: Thoracic aortic aneurysms and dissections. Identifiers: Orphanet 91387, MedGen C4707243, MONDO:0019625.

Allele frequency attached by ClinVar (database versions not stated): gnomAD exomes below 0.00001; gnomAD 0.00001; TOPMed 0.00001.
gnomAD v4.1: 5 of 1,613,246 alleles (0.00031%); highest among the groups gnomAD compares: African/African-American, 0.0027%; no homozygotes.

Submissions (3):

Blueprint Genetics
Classification: Uncertain significance. Last evaluated: 2024-03-25. Review status: criteria provided, single submitter. Criteria: ACMG Guidelines, 2015. Collection method: clinical testing. Allele origin: germline.

Ambry Genetics
Classification: Uncertain significance for Familial thoracic aortic aneurysm and aortic dissection. Last evaluated: 2023-03-23. Review status: criteria provided, single submitter. Criteria: Ambry Variant Classification Scheme 2023. Collection method: clinical testing. Allele origin: germline.
Comment: The p.A2031T variant (also known as c.6091G>A), located in coding exon 33 of the NOTCH1 gene, results from a G to A substitution at nucleotide position 6091. The alanine at codon 2031 is replaced by threonine, an amino acid with similar properties. This amino acid position is highly conserved in available vertebrate species. In addition, this alteration is predicted to be deleterious by in silico analysis. Since supporting evidence is limited at this time, the clinical significance of this alteration remains unclear.

Labcorp Genetics (formerly Invitae), Labcorp
Classification: Likely benign for Adams-Oliver syndrome 5. Last evaluated: 2022-12-06. Review status: criteria provided, single submitter. Criteria: Invitae Variant Classification Sherloc (09022015). Collection method: clinical testing. Allele origin: germline.